The following is an entry in ClinVar:

ClinVar aggregate classification (germline): Uncertain significance (1 of 4 stars; one submission).

gnomAD v4.1: 2 of 1,211,796 alleles (0.00017%); highest among the groups gnomAD compares: Non-Finnish European, 0.00022%; no homozygotes.

Submission:

GeneDx
Classification: Uncertain significance. Last evaluated: 2022-01-05. Review status: criteria provided, single submitter. Criteria: GeneDx Variant Classification Process June 2021. Collection method: clinical testing. Allele origin: germline. Affected: yes.
Comment: Not observed at significant frequency in large population cohorts (gnomAD); In silico analysis supports that this missense variant does not alter protein structure/function; Has not been previously published as pathogenic or benign to our knowledge; Variants in candidate genes are classified as variants of uncertain significance in accordance with ACMG guidelines (Richards et al., 2015)

NM_019045.5(WDR44):c.1772A>G (p.Lys591Arg)

Gene: WDR44 (WD repeat domain 44; plus strand). Cytogenetic location: Xq24.
Variant type: single nucleotide variant.
Coding change: c.1772A>G on transcript NM_019045.5 (MANE Select); coding-DNA position 1772, A replaced by G.
Protein change: p.Lys591Arg; replaces lysine 591 with arginine.
Molecular consequence: missense variant.
Genome position (GRCh38, 1-based): chrX:118,432,815, A>G. VCF-style: chrX-118432815-A-G. GRCh37 (hg19) VCF-style: chrX-117566778-A-G.
Other names: c.1772A>G, p.Lys591Arg (NM_001184965.2); c.1697A>G, p.Lys566Arg (NM_001184966.1); short protein forms K566R, K591R.
Identifiers: ClinVar variation 3342336 (VCV003342336.1).